The following is an entry in ClinVar:

ClinVar aggregate classification (germline): Likely pathogenic (1 of 4 stars; one submission).

Conditions:
Marfan syndrome (MFS). Also called: FBN1-Related Marfan Syndrome; Marfan syndrome, classic; MARFAN SYNDROME, TYPE I; Marfan syndrome type 1; Marfan's syndrome. Identifiers: Orphanet 284963, Orphanet 558, MedGen C0024796, MONDO:0007947, OMIM 154700.

Submission:

Laboratory for Molecular Medicine, Mass General Brigham Personalized Medicine
Classification: Likely pathogenic for Marfan syndrome. Last evaluated: 2021-08-13. Review status: criteria provided, single submitter. Criteria: ACMG Guidelines, 2015. Collection method: clinical testing. Allele origin: germline. Inheritance: Autosomal dominant inheritance.
Comment: proposed classification - variant undergoing re-assessment, contact laboratory

NM_000138.5(FBN1):c.5721C>G (p.Asn1907Lys)

Gene: FBN1 (fibrillin 1; minus strand). Cytogenetic location: 15q21.1.
Variant type: single nucleotide variant.
Coding change: c.5721C>G on transcript NM_000138.5 (MANE Select); coding-DNA position 5721, C replaced by G.
Protein change: p.Asn1907Lys; replaces asparagine 1907 with lysine.
Molecular consequence: missense variant.
Genome position (GRCh38, 1-based): chr15:48,446,773, G>C on the plus strand (C>G on the coding strand, the complement: FBN1 is on the minus strand). VCF-style: chr15-48446773-G-C. GRCh37 (hg19) VCF-style: chr15-48738970-G-C.
Other names: short protein forms N1907K.
Identifiers: ClinVar variation 42390 (VCV000042390.5), dbSNP rs397515826, ClinGen allele CA015998.